The following is an entry in ClinVar:

NM_000059.4(BRCA2):c.316+1403T>C

Gene: BRCA2 (BRCA2 DNA repair associated; plus strand). Cytogenetic location: 13q13.1.
Variant type: single nucleotide variant.
Coding change: c.316+1403T>C on transcript NM_000059.4 (MANE Select); 1403 bases into the intron after coding-DNA position 316, T replaced by C.
Molecular consequence: intron variant.
Genome position (GRCh38, 1-based): chr13:32,320,728, T>C. VCF-style: chr13-32320728-T-C. GRCh37 (hg19) VCF-style: chr13-32894865-T-C.
Other names: IVS 3+1403T>C.
Identifiers: ClinVar variation 209626 (VCV000209626.1), dbSNP rs11571592, ClinGen allele CA276595.

ClinVar aggregate classification (germline): Benign (3 of 4 stars; one submission).

Conditions:
Breast-ovarian cancer, familial, susceptibility to, 2 (BROVCA2). Also called: BRCA2 Hereditary Breast and Ovarian Cancer. Identifiers: Orphanet 145, MedGen C2675520, MONDO:0012933, OMIM 612555. Disease mechanism: loss of function.

Allele frequency attached by ClinVar (database versions not stated): 1000 Genomes Project 0.01957; 1000 Genomes Project 30x 0.01968; TOPMed 0.02625; gnomAD 0.02706 and 0.02719.
gnomAD v4.1: 4,132 of 152,318 alleles (2.7%); highest among the groups gnomAD compares: Non-Finnish European, 3.7%; 75 homozygotes.

Submission:

Evidence-based Network for the Interpretation of Germline Mutant Alleles (ENIGMA)
Classification: Benign for Breast-ovarian cancer, familial 2. Last evaluated: 2015-01-12. Review status: reviewed by expert panel. Criteria: ENIGMA BRCA1/2 Classification Criteria (2015). Collection method: curation. Allele origin: germline.
Comment: Class 1 not pathogenic based on frequency >1% in an outbred sampleset. Frequency 0.04354 (European), derived from 1000 genomes (2012-04-30).